The following is an entry in ClinVar:

NM_020987.5(ANK3):c.1745A>G (p.Asn582Ser)

Gene: ANK3 (ankyrin 3; minus strand). Cytogenetic location: 10q21.2.
Variant type: single nucleotide variant.
Coding change: c.1745A>G on transcript NM_020987.5 (MANE Select); coding-DNA position 1745, A replaced by G.
Protein change: p.Asn582Ser; replaces asparagine 582 with serine.
Molecular consequence: missense variant.
Genome position (GRCh38, 1-based): chr10:60,196,570, T>C on the plus strand (A>G on the coding strand, the complement: ANK3 is on the minus strand). VCF-style: chr10-60196570-T-C. GRCh37 (hg19) VCF-style: chr10-61956328-T-C.
Other names: c.1727A>G, p.Asn576Ser (NM_001204403.2); c.1694A>G, p.Asn565Ser (NM_001204404.2); c.1745A>G, p.Asn582Ser (NM_001320874.2); short protein forms N565S, N576S, N582S.
Identifiers: ClinVar variation 2287475 (VCV002287475.45), dbSNP rs746924526, ClinGen allele CA5513043.

ClinVar aggregate classification (germline): Uncertain significance. Review status: criteria provided, multiple submitters, no conflicts (2 of 4 stars). 2 submissions from 2 submitters: Uncertain significance (2). Last evaluated 2025-10-04.

Conditions:
Inborn genetic diseases. Identifiers: MedGen C0950123, MeSH D030342.

Allele frequency attached by ClinVar (database versions not stated): gnomAD exomes 0.00002; ExAC 0.00005; gnomAD 0.00007.
gnomAD v4.1: 45 of 1,613,258 alleles (0.0028%); highest among the groups gnomAD compares: Non-Finnish European, 0.0031%; no homozygotes.

Submissions (2):

Labcorp Genetics (formerly Invitae), Labcorp
Classification: Uncertain significance. Last evaluated: 2025-10-04. Review status: criteria provided, single submitter. Criteria: Invitae Variant Classification Sherloc (09022015). Collection method: clinical testing. Allele origin: germline.
Comment: This sequence change replaces asparagine, which is neutral and polar, with serine, which is neutral and polar, at codon 582 of the ANK3 protein (p.Asn582Ser). This variant is present in population databases (rs746924526, gnomAD 0.01%). This variant has not been reported in the literature in individuals affected with ANK3-related conditions. ClinVar contains an entry for this variant (Variation ID: 2287475). Invitae Evidence Modeling of protein sequence and biophysical properties (such as structural, functional, and spatial information, amino acid conservation, physicochemical variation, residue mobility, and thermodynamic stability) indicates that this missense variant is not expected to disrupt ANK3 protein function with a negative predictive value of 80%. In summary, the available evidence is currently insufficient to determine the role of this variant in disease. Therefore, it has been classified as a Variant of Uncertain Significance.

Ambry Genetics
Classification: Uncertain significance for Inborn genetic diseases. Last evaluated: 2022-05-04. Review status: criteria provided, single submitter. Criteria: Ambry Variant Classification Scheme 2023. Collection method: clinical testing. Allele origin: germline.